The following is an entry in ClinVar:

NM_001105206.3(LAMA4):c.4606G>C (p.Gly1536Arg)

Gene: LAMA4 (laminin subunit alpha 4; minus strand). Cytogenetic location: 6q21.
Variant type: single nucleotide variant.
Coding change: c.4606G>C on transcript NM_001105206.3 (MANE Select); coding-DNA position 4606, G replaced by C.
Protein change: p.Gly1536Arg; replaces glycine 1536 with arginine.
Molecular consequence: missense variant.
Genome position (GRCh38, 1-based): chr6:112,120,342, C>G on the plus strand (G>C on the coding strand, the complement: LAMA4 is on the minus strand). VCF-style: chr6-112120342-C-G. GRCh37 (hg19) VCF-style: chr6-112441545-C-G.
Other names: c.4585G>C, p.Gly1529Arg (NM_001105207.3, NM_002290.5); c.4585G>C (NM_002290.3); short protein forms G1529R, G1536R.
Identifiers: ClinVar variation 626474 (VCV000626474.11), dbSNP rs1378834238, ClinGen allele CA365369368.

ClinVar aggregate classification (germline): Uncertain significance. Review status: criteria provided, multiple submitters, no conflicts (2 of 4 stars). 3 submissions from 3 submitters: Uncertain significance (3). Last evaluated 2025-02-06.

Conditions:
Dilated cardiomyopathy 1JJ (CMD1JJ). Identifiers: Orphanet 154, MedGen C3808935, MONDO:0014095, OMIM 615235.
Cardiomyopathy (CMYO). Also called: Cardiomyopathies. Identifiers: Orphanet 167848, MedGen C0878544, MONDO:0004994, HP:0001638. Inheritance: Various modes of inheritance.
Cardiovascular phenotype. Identifiers: MedGen CN230736.

Allele frequency attached by ClinVar (database versions not stated): gnomAD exomes below 0.00001; TOPMed below 0.00001.
gnomAD v4.1: 3 of 1,613,574 alleles (0.00019%); highest among the groups gnomAD compares: Non-Finnish European, 0.00025%; no homozygotes.

Submissions (3):

Ambry Genetics
Classification: Uncertain significance for Cardiovascular phenotype. Last evaluated: 2025-02-06. Review status: criteria provided, single submitter. Criteria: Ambry Variant Classification Scheme 2023. Collection method: clinical testing. Allele origin: germline.
Comment: The p.G1529R variant (also known as c.4585G>C), located in coding exon 32 of the LAMA4 gene, results from a G to C substitution at nucleotide position 4585. The glycine at codon 1529 is replaced by arginine, an amino acid with dissimilar properties. This amino acid position is conserved. In addition, the in silico prediction for this alteration is inconclusive. Based on the available evidence, the clinical significance of this variant remains unclear.

Labcorp Genetics (formerly Invitae), Labcorp
Classification: Uncertain significance for Dilated cardiomyopathy 1JJ. Last evaluated: 2020-10-12. Review status: criteria provided, single submitter. Criteria: Invitae Variant Classification Sherloc (09022015). Collection method: clinical testing. Allele origin: germline.
Comment: This variant is not present in population databases (ExAC no frequency). This sequence change replaces glycine with arginine at codon 1529 of the LAMA4 protein (p.Gly1529Arg). The glycine residue is highly conserved and there is a moderate physicochemical difference between glycine and arginine. In summary, the available evidence is currently insufficient to determine the role of this variant in disease. Therefore, it has been classified as a Variant of Uncertain Significance. Algorithms developed to predict the effect of missense changes on protein structure and function are either unavailable or do not agree on the potential impact of this missense change (SIFT: "Deleterious"; PolyPhen-2: "Probably Damaging"; Align-GVGD: "Class C15"). This variant has not been reported in the literature in individuals with LAMA4-related conditions. ClinVar contains an entry for this variant (Variation ID: 626474).

CHEO Genetics Diagnostic Laboratory, Children's Hospital of Eastern Ontario
Classification: Uncertain significance for Cardiomyopathy. Last evaluated: 2015-11-19. Review status: criteria provided, single submitter. Criteria: ACMG Guidelines, 2015. Collection method: clinical testing. Allele origin: germline. Study: Canadian Open Genetics Repository.